The following is an entry in ClinVar:

ClinVar aggregate classification (germline): Likely pathogenic (1 of 4 stars; one submission).

Conditions:
Autosomal dominant nonsyndromic hearing loss 22. Also called: DFNA 22; Autosomal dominant nonsyndromic deafness 22. Identifiers: Orphanet 228012, MedGen C2931767, MONDO:0011660, OMIM 606346.

Submission:

Institute of Immunology and Genetics Kaiserslautern
Classification: Likely pathogenic for Autosomal dominant nonsyndromic hearing loss 22. Last evaluated: 2024-01-26. Review status: criteria provided, single submitter. Criteria: ACMG Guidelines, 2015. Collection method: clinical testing. Allele origin: germline. Affected: yes.
Comment: ACMG Criteria: PVS1, PM2; Variant was found in heterozygous state

NM_004999.4(MYO6):c.2437C>T (p.Arg813Ter)

Gene: MYO6 (myosin VI; plus strand). Cytogenetic location: 6q14.1.
Variant type: single nucleotide variant.
Coding change: c.2437C>T on transcript NM_004999.4 (MANE Select); coding-DNA position 2437, C replaced by T.
Protein change: p.Arg813Ter; replaces arginine 813 with a stop codon.
Molecular consequence: nonsense. On other transcripts: non-coding transcript variant (1).
Genome position (GRCh38, 1-based): chr6:75,886,024, C>T. VCF-style: chr6-75886024-C-T. GRCh37 (hg19) VCF-style: chr6-76595741-C-T.
Other names: c.2437C>T, p.Arg813Ter (NM_001300899.2, NM_001368136.1, NM_001368137.1 and 2 more transcripts); c.2422C>T, p.Arg808Ter (NM_001368138.1); short protein forms R813*, R808*.
Identifiers: ClinVar variation 2775439 (VCV002775439.1), dbSNP rs2535543931, ClinGen allele CA364774784.